The following is an entry in ClinVar:

ClinVar aggregate classification (germline): Pathogenic (1 of 4 stars; one submission).

Conditions:
Intellectual disability-facial dysmorphism syndrome due to SETD5 haploinsufficiency (MRD23). Also called: Intellectual developmental disorder, autosomal dominant 23. Identifiers: Orphanet 404440, MedGen C3810406, MONDO:0014336, OMIM 615761.

Submission:

Variantyx, Inc.
Classification: Pathogenic for Intellectual disability-facial dysmorphism syndrome due to SETD5 haploinsufficiency. Last evaluated: 2025-12-16. Review status: criteria provided, single submitter. Criteria: Variantyx Assertion Criteria 2022. Collection method: clinical testing. Allele origin: de novo. Inheritance: Autosomal dominant inheritance. Affected: yes.
Comment: This is a frameshift variant in the SETD5 gene (OMIM: 615743). Pathogenic variants in this gene have been associated with autosomal dominant intellectual developmental disorder 23. This variant introduces a premature termination codon in exon 20 out of 23 and is expected to result in loss of function, which is a known disease mechanism for SETD5 in this disorder (PMID: 25138099, 24680889) (PVS1). This variant is absent from control populations (PM2), a d it has not been reported in individuals with SETD5-related disorders in the databases available for review. Based on the current evidence, this variant is classified as pathogenic for autosomal dominant intellectual developmental disorder 23.

Literature cited by the submitters: PubMed 25138099; PubMed 24680889.

NM_001080517.3(SETD5):c.3262_3263del (p.Asp1088fs)

Gene: SETD5 (SET domain containing 5; plus strand). Cytogenetic location: 3p25.3.
Variant type: Deletion.
Coding change: c.3262_3263del on transcript NM_001080517.3 (MANE Select); coding-DNA positions 3262 to 3263, 2 bases deleted (GA; older notation c.3262_3263delGA).
Protein change: p.Asp1088fs; shifts the reading frame from aspartic acid 1088.
Molecular consequence: frameshift variant.
Genome position (GRCh38, 1-based): chr3:9,473,302-9,473,303, GA deleted. VCF-style (leftmost placement, unchanged base first): chr3-9473301-TGA-T. GRCh37 (hg19) VCF-style: chr3-9514985-TGA-T.
Other names: c.2968_2969del, p.Asp990fs (NM_001292043.2, NM_001349451.2); c.3358_3359del, p.Asp1120fs (NM_001437633.1); c.3376_3377del, p.Asp1126fs (NM_001437635.1); c.3319_3320del, p.Asp1107fs (NM_001437643.1); c.3301_3302del, p.Asp1101fs (NM_001437701.1); short protein forms D1088fs, D1101fs, D1107fs, D1120fs, D1126fs, D990fs.
Identifiers: ClinVar variation 4852241 (VCV004852241.1).